The following is an entry in ClinVar:

NM_000179.3(MSH6):c.2271C>G (p.Thr757=)

Gene: MSH6 (mutS homolog 6; plus strand). Cytogenetic location: 2p16.3.
Variant type: single nucleotide variant.
Coding change: c.2271C>G on transcript NM_000179.3 (MANE Select); coding-DNA position 2271, C replaced by G.
Protein change: p.Thr757=; no amino-acid change (threonine 757 retained).
Molecular consequence: synonymous variant.
Genome position (GRCh38, 1-based): chr2:47,800,254, C>G. VCF-style: chr2-47800254-C-G. GRCh37 (hg19) VCF-style: chr2-48027393-C-G.
Other names: c.1881C>G, p.Thr627= (NM_001281492.2); c.1365C>G, p.Thr455= (NM_001281493.2, NM_001281494.2).
Identifiers: ClinVar variation 428351 (VCV000428351.18), dbSNP rs142172006, ClinGen allele CA068705.

ClinVar aggregate classification (germline): Benign/Likely benign. Review status: criteria provided, multiple submitters, no conflicts (2 of 4 stars). 4 submissions from 4 submitters: Benign (1); Likely benign (3). Last evaluated 2026-01-28.

Conditions:
Hereditary cancer-predisposing syndrome. Also called: Hereditary Cancer Syndrome; Neoplastic Syndromes, Hereditary; Hereditary neoplastic syndrome; Tumor predisposition. Identifiers: Orphanet 140162, MedGen C0027672, MeSH D009386, MONDO:0015356.
Lynch syndrome 5 (LYNCH5). Also called: Hereditary non-polyposis colorectal cancer, type 5; Colorectal cancer, hereditary nonpolyposis, type 5. Identifiers: Orphanet 144, MedGen C1833477, MONDO:0013710, OMIM 614350. Disease mechanism: loss of function.
Hereditary nonpolyposis colorectal neoplasms. Identifiers: MedGen C0009405, MeSH D003123.

Allele frequency attached by ClinVar (database versions not stated): ESP Exome Variant Server 0.00008.
gnomAD v4.1: 1 of 1,614,012 alleles (0.000062%); highest among the groups gnomAD compares: Non-Finnish European, 0.000085%; no homozygotes.

Submissions (4):

Labcorp Genetics (formerly Invitae), Labcorp
Classification: Likely benign for Hereditary nonpolyposis colorectal neoplasms. Last evaluated: 2026-01-28. Review status: criteria provided, single submitter. Criteria: Invitae Variant Classification Sherloc (09022015). Collection method: clinical testing. Allele origin: germline.

Quest Diagnostics Nichols Institute San Juan Capistrano
Classification: Likely benign. Last evaluated: 2025-01-14. Review status: criteria provided, single submitter. Criteria: Quest Diagnostics criteria. Collection method: clinical testing. Allele origin: unknown.

Myriad Genetics, Inc.
Classification: Benign for Lynch syndrome 5. Last evaluated: 2024-12-30. Review status: criteria provided, single submitter. Criteria: Myriad Autosomal Dominant, Autosomal Recessive and X-Linked Classification Criteria (2023). Collection method: clinical testing. Allele origin: unknown.
Comment: This variant is considered benign. This variant is a silent/synonymous amino acid change and it is not expected to impact splicing.

Ambry Genetics
Classification: Likely benign for Hereditary cancer-predisposing syndrome. Last evaluated: 2015-11-11. Review status: criteria provided, single submitter. Criteria: Ambry Variant Classification Scheme 2023. Collection method: clinical testing. Allele origin: germline.